The following is an entry in ClinVar:

ClinVar aggregate classification (germline): Pathogenic (1 of 4 stars; one submission).

Conditions:
Short-rib thoracic dysplasia 14 with polydactyly (SRTD14). Identifiers: Orphanet 397715, MedGen C4225286, MONDO:0014688, OMIM 616546.
Joubert syndrome 23 (JBTS23). Identifiers: Orphanet 475, MedGen C4084822, MONDO:0014664, OMIM 616490.

Submission:

Labcorp Genetics (formerly Invitae), Labcorp
Classification: Pathogenic for Joubert syndrome 23; Short-rib thoracic dysplasia 14 with polydactyly. Last evaluated: 2023-10-09. Review status: criteria provided, single submitter. Criteria: Invitae Variant Classification Sherloc (09022015). Collection method: clinical testing. Allele origin: germline.
Comment: This sequence change creates a premature translational stop signal (p.Glu1391*) in the KIAA0586 gene. It is expected to result in an absent or disrupted protein product. Loss-of-function variants in KIAA0586 are known to be pathogenic (PMID: 26096313, 26166481, 26386044). This variant is not present in population databases (gnomAD no frequency). This variant has not been reported in the literature in individuals affected with KIAA0586-related conditions. For these reasons, this variant has been classified as Pathogenic.

Literature cited by the submitters: PubMed 26096313; PubMed 26166481; PubMed 26386044.

NM_001329943.3(KIAA0586):c.4012G>T (p.Glu1338Ter)

Gene: KIAA0586 (KIAA0586; plus strand). Cytogenetic location: 14q23.1.
Variant type: single nucleotide variant.
Coding change: c.4012G>T on transcript NM_001329943.3 (MANE Select); coding-DNA position 4012, G replaced by T.
Protein change: p.Glu1338Ter; replaces glutamic acid 1338 with a stop codon.
Molecular consequence: nonsense.
Genome position (GRCh38, 1-based): chr14:58,498,804, G>T. VCF-style: chr14-58498804-G-T. GRCh37 (hg19) VCF-style: chr14-58965522-G-T.
Other names: c.3757G>T, p.Glu1253Ter (NM_001364701.2, NM_001244191.2, NM_001329945.2 and 1 more transcripts); c.3784G>T, p.Glu1262Ter (NM_014749.5); c.4171G>T, p.Glu1391Ter (NM_001244189.2); c.3967G>T, p.Glu1323Ter (NM_001244190.2); c.3880G>T, p.Glu1294Ter (NM_001244192.2, NM_001329947.2); c.3592G>T, p.Glu1198Ter (NM_001244193.2); c.4012G>T, p.Glu1338Ter (NM_001329944.2, NM_001329946.2); short protein forms E1253*, E1338*, E1262*, E1323*, E1198*, E1294*, E1391*.
Identifiers: ClinVar variation 2952733 (VCV002952733.3), dbSNP rs2043343702, ClinGen allele CA389885471.